The following is an entry in ClinVar:

ClinVar aggregate classification (germline): Uncertain significance. Review status: criteria provided, multiple submitters, no conflicts (2 of 4 stars). 2 submissions from 2 submitters: Uncertain significance (2). Last evaluated 2023-05-30.

Conditions:
Inborn genetic diseases. Identifiers: MedGen C0950123, MeSH D030342.

Allele frequency attached by ClinVar (database versions not stated): ExAC 0.00001; TOPMed 0.00001; ESP Exome Variant Server 0.00008.

Submissions (2):

Ambry Genetics
Classification: Uncertain significance for Inborn genetic diseases. Last evaluated: 2023-05-30. Review status: criteria provided, single submitter. Criteria: Ambry Variant Classification Scheme 2023. Collection method: clinical testing. Allele origin: germline.

Labcorp Genetics (formerly Invitae), Labcorp
Classification: Uncertain significance. Last evaluated: 2023-01-24. Review status: criteria provided, single submitter. Criteria: Invitae Variant Classification Sherloc (09022015). Collection method: clinical testing. Allele origin: germline.
Comment: This sequence change replaces proline, which is neutral and non-polar, with serine, which is neutral and polar, at codon 59 of the PPP2R5D protein (p.Pro59Ser). In summary, the available evidence is currently insufficient to determine the role of this variant in disease. Therefore, it has been classified as a Variant of Uncertain Significance. Algorithms developed to predict the effect of missense changes on protein structure and function are either unavailable or do not agree on the potential impact of this missense change (SIFT: "Deleterious"; PolyPhen-2: "Benign"; Align-GVGD: "Class C0"). This variant has not been reported in the literature in individuals affected with PPP2R5D-related conditions. This variant is present in population databases (rs376202873, gnomAD 0.0009%).

NM_006245.4(PPP2R5D):c.175C>T (p.Pro59Ser)

Gene: PPP2R5D (protein phosphatase 2 regulatory subunit B'delta; plus strand). Cytogenetic location: 6p21.1.
Variant type: single nucleotide variant.
Coding change: c.175C>T on transcript NM_006245.4 (MANE Select); coding-DNA position 175, C replaced by T.
Protein change: p.Pro59Ser; replaces proline 59 with serine.
Molecular consequence: missense variant. On other transcripts: 5 prime UTR variant (1), intron variant (1).
Genome position (GRCh38, 1-based): chr6:43,006,532, C>T. VCF-style: chr6-43006532-C-T. GRCh37 (hg19) VCF-style: chr6-42974270-C-T.
Other names: c.-279C>T (NM_001270476.2); c.175C>T, p.Pro59Ser (NM_180976.3); c.28-402C>T (NM_180977.3); short protein forms P59S.
Identifiers: ClinVar variation 2552948 (VCV002552948.5), dbSNP rs376202873, ClinGen allele CA3811769.
Genomic context (GRCh38, chr6:43,006,532, plus strand): 5'-CAGCCCCAGCCCCAGCCCCAGCCCCAAGCCCAGTCTCAGCCACCGTCATCCAACAAGCGT[C>T]CCAGCAATAGCACGCCGCCCCCCACGCAGCTCAGCAAAATCAAGTACTCAGGGGGGCCCC-3'
Protein context (NP_006236.1, residues 49-69): QSQPPSSNKR[Pro59Ser]SNSTPPPTQL